The following is an entry in ClinVar:

NM_007083.5(NUDT6):c.612C>T (p.Ser204=)

Genes: FGF2 (fibroblast growth factor 2; plus strand), NUDT6 (nudix hydrolase 6; minus strand). Cytogenetic location: 4q28.1.
Variant type: single nucleotide variant.
Coding change: c.612C>T on transcript NM_007083.5 (MANE Select); coding-DNA position 612, C replaced by T.
Protein change: p.Ser204=; no amino-acid change (serine 204 retained).
Molecular consequence: synonymous variant. On other transcripts: 3 prime UTR variant (2).
Genome position (GRCh38, 1-based): chr4:122,893,167, G>A on the plus strand (C>T on the coding strand, the complement: NUDT6 is on the minus strand). VCF-style: chr4-122893167-G-A. GRCh37 (hg19) VCF-style: chr4-123814322-G-A.
Other names: c.105C>T, p.Ser35= (NM_198041.3); c.*771G>A (NM_001361665.2, NM_002006.6).
Identifiers: ClinVar variation 3035036 (VCV003035036.2), dbSNP rs113836715, ClinGen allele CA3069818.

ClinVar aggregate classification (germline): Likely benign (0 of 4 stars; one submission).

Conditions:
NUDT6-related disorder. Also called: NUDT6-related condition.

Allele frequency attached by ClinVar (database versions not stated): 1000 Genomes Project 30x 0.00016; 1000 Genomes Project 0.00020; ExAC 0.00066; gnomAD 0.00083; TOPMed 0.00107; ESP Exome Variant Server 0.00154; gnomAD exomes 0.00154.
gnomAD v4.1: 2,339 of 1,613,914 alleles (0.14%); highest among the groups gnomAD compares: Non-Finnish European, 0.19%; 3 homozygotes.

Submission:

PreventionGenetics, part of Exact Sciences
Classification: Likely benign for NUDT6-related condition. Last evaluated: 2019-09-09. Review status: no assertion criteria provided. Collection method: clinical testing. Allele origin: germline.
Comment: This variant is classified as likely benign based on ACMG/AMP sequence variant interpretation guidelines (Richards et al. 2015 PMID: 25741868, with internal and published modifications).